The following is an entry in ClinVar:

ClinVar aggregate classification (germline): Uncertain significance (1 of 4 stars; one submission).

Submission:

Labcorp Genetics (formerly Invitae), Labcorp
Classification: Uncertain significance. Last evaluated: 2024-10-28. Review status: criteria provided, single submitter. Criteria: Invitae Variant Classification Sherloc (09022015). Collection method: clinical testing. Allele origin: germline.
Comment: This sequence change affects codon 1821 of the ALPK3 mRNA. It is a 'silent' change, meaning that it does not change the encoded amino acid sequence of the ALPK3 protein. This variant is not present in population databases (gnomAD no frequency). This variant has not been reported in the literature in individuals affected with ALPK3-related conditions. ClinVar contains an entry for this variant (Variation ID: 2011805). Algorithms developed to predict the effect of sequence changes on RNA splicing suggest that this variant may create or strengthen a splice site. In summary, the available evidence is currently insufficient to determine the role of this variant in disease. Therefore, it has been classified as a Variant of Uncertain Significance.

NM_020778.5(ALPK3):c.4855C>T (p.Leu1619=)

Gene: ALPK3 (alpha kinase 3; plus strand). Cytogenetic location: 15q25.3.
Variant type: single nucleotide variant.
Coding change: c.4855C>T on transcript NM_020778.5 (MANE Select); coding-DNA position 4855, C replaced by T.
Protein change: p.Leu1619=; no amino-acid change (leucine 1619 retained).
Molecular consequence: synonymous variant.
Genome position (GRCh38, 1-based): chr15:84,868,193, C>T. VCF-style: chr15-84868193-C-T. GRCh37 (hg19) VCF-style: chr15-85411424-C-T.
Identifiers: ClinVar variation 2011805 (VCV002011805.4), dbSNP rs1964023259, ClinGen allele CA492274524.